The following is an entry in ClinVar:

ClinVar aggregate classification (germline): Uncertain significance (1 of 4 stars; one submission).

Conditions:
Sotos syndrome (SOTOS). Also called: Sotos' syndrome; CHROMOSOME 5q35 DELETION SYNDROME; SOTOS SYNDROME 1; CEREBRAL GIGANTISM; Distinctive facial appearance, overgrowth in childhood, and learning disabilities or delayed development. Identifiers: Orphanet 821, MedGen C0175695, MONDO:0019349, OMIM 117550.

Submission:

Centre for Mendelian Genomics, University Medical Centre Ljubljana
Classification: Uncertain significance for Sotos syndrome. Last evaluated: 2018-10-08. Review status: criteria provided, single submitter. Criteria: ACMG Guidelines, 2015. Collection method: clinical testing. Allele origin: unknown. Affected: yes.
Comment: This variant was classified as: Uncertain significance. The available evidence on this variant's pathogenicity is insufficient or conflicting. The following ACMG criteria were applied in classifying this variant: PM2.

NM_022455.5(NSD1):c.1105T>C (p.Phe369Leu)

Gene: NSD1 (nuclear receptor binding SET domain protein 1; plus strand). Cytogenetic location: 5q35.3.
Variant type: single nucleotide variant.
Coding change: c.1105T>C on transcript NM_022455.5 (MANE Select); coding-DNA position 1105, T replaced by C.
Protein change: p.Phe369Leu; replaces phenylalanine 369 with leucine.
Molecular consequence: missense variant.
Genome position (GRCh38, 1-based): chr5:177,204,161, T>C. VCF-style: chr5-177204161-T-C. GRCh37 (hg19) VCF-style: chr5-176631162-T-C.
Other names: c.232T>C, p.Phe78Leu (NM_001365684.2, NM_001409306.1, NM_001409307.1 and 3 more transcripts); c.1105T>C, p.Phe369Leu (NM_001409301.1, NM_001409302.1, NM_001409303.1); c.685T>C, p.Phe229Leu (NM_001409304.1); c.352T>C, p.Phe118Leu (NM_001409305.1); short protein forms F100L, F369L, F78L, F118L, F229L.
Identifiers: ClinVar variation 930846 (VCV000930846.4), dbSNP rs1762710997, ClinGen allele CA362304596.